The following is an entry in ClinVar:

ClinVar aggregate classification (germline): Likely benign. Review status: criteria provided, multiple submitters, no conflicts (2 of 4 stars). 3 submissions from 3 submitters: Likely benign (2). 1 of the submissions does not count toward it. Last evaluated 2025-11-12.

Conditions:
VPS13B-related disorder. Also called: VPS13B-related condition.
Cohen syndrome (COH1). Also called: PEPPER SYNDROME; Cutis verticis gyrata, retinitis pigmentosa, and sensorineural deafness. Identifiers: Orphanet 193, MedGen C0265223, MONDO:0008999, OMIM 216550.

Allele frequency attached by ClinVar (database versions not stated): ExAC 0.00002; gnomAD exomes 0.00002; gnomAD 0.00003 and 0.00004; TOPMed 0.00003.
gnomAD v4.1: 54 of 1,614,022 alleles (0.0033%); highest among the groups gnomAD compares: Non-Finnish European, 0.0046%; no homozygotes.

Submissions (3):

Labcorp Genetics (formerly Invitae), Labcorp
Classification: Likely benign for Cohen syndrome. Last evaluated: 2025-11-12. Review status: criteria provided, single submitter. Criteria: Invitae Variant Classification Sherloc (09022015). Collection method: clinical testing. Allele origin: germline.

Blueprint Genetics
Classification: Likely benign. Last evaluated: 2021-09-03. Review status: criteria provided, single submitter. Criteria: ACMG Guidelines, 2015. Collection method: clinical testing. Allele origin: germline.

PreventionGenetics, part of Exact Sciences
Classification: Likely benign for VPS13B-related condition. Last evaluated: 2021-09-14. Review status: no assertion criteria provided. Collection method: clinical testing. Allele origin: germline. Not counted in ClinVar's aggregate classification.
Comment: This variant is classified as likely benign based on ACMG/AMP sequence variant interpretation guidelines (Richards et al. 2015 PMID: 25741868, with internal and published modifications).

NM_152564.5(VPS13B):c.11883C>G (p.Pro3961=)

Gene: VPS13B (vacuolar protein sorting 13 homolog B; plus strand). Cytogenetic location: 8q22.2.
Variant type: single nucleotide variant.
Coding change: c.11883C>G on transcript NM_152564.5 (MANE Select); coding-DNA position 11883, C replaced by G.
Protein change: p.Pro3961=; no amino-acid change (proline 3961 retained).
Molecular consequence: synonymous variant.
Genome position (GRCh38, 1-based): chr8:99,875,555, C>G. VCF-style: chr8-99875555-C-G. GRCh37 (hg19) VCF-style: chr8-100887783-C-G.
Other names: c.11958C>G, p.Pro3986= (NM_017890.5); c.11883C>G (NM_152564.4).
Identifiers: ClinVar variation 1144826 (VCV001144826.11), dbSNP rs763272836, ClinGen allele CA4825364.
Genomic context (GRCh38, chr8:99,875,555, plus strand): 5'-CCTGGCCCCCAGCTGTTCTTCCATGCAAATACCATGCCCTGTGGTGGCTGCAGAACCTCC[C>G]CCCTCCACTGTTAAAACATACCATTACCTGGTTGATCCACATTTTGCTCAGGTCTTCCTT-3'
Protein context (NP_689777.3, residues 3951-3971): IPCPVVAAEP[Pro3961=]PSTVKTYHYL